The following is an entry in ClinVar:

ClinVar aggregate classification (germline): Pathogenic. Review status: criteria provided, multiple submitters, no conflicts (2 of 4 stars). 3 submissions from 3 submitters: Pathogenic (2). 1 of the submissions does not count toward it. Last evaluated 2025-08-05.

Conditions:
Episodic ataxia type 2 (EA2). Also called: ATAXIA, EPISODIC, WITH NYSTAGMUS; ATAXIA, FAMILIAL PAROXYSMAL; CEREBELLAR ATAXIA, PAROXYSMAL, ACETAZOLAMIDE-RESPONSIVE; CEREBELLOPATHY, HEREDITARY PAROXYSMAL; EPISODIC ATAXIA, NYSTAGMUS-ASSOCIATED; ACETAZOLAMIDE-RESPONSIVE HEREDITARY PAROXYSMAL CEREBELLAR ATAXIA. Identifiers: Orphanet 97, MedGen C1720416, MONDO:0007163, OMIM 108500.
Developmental and epileptic encephalopathy, 42 (DEE42A). Also called: Epileptic encephalopathy, early infantile, 42; DEVELOPMENTAL AND EPILEPTIC ENCEPHALOPATHY 42A; EPILEPTIC ENCEPHALOPATHY, EARLY INFANTILE, 42A. Identifiers: MedGen C4310716, MONDO:0014917, OMIM 617106.

Submissions (3):

GeneDx
Classification: Pathogenic. Last evaluated: 2025-08-05. Review status: criteria provided, single submitter. Criteria: GeneDx Variant Classification Process June 2021. Collection method: clinical testing. Allele origin: germline. Affected: yes.
Comment: Frameshift variant predicted to result in protein truncation or nonsense mediated decay in a gene for which loss of function is a known mechanism of disease; Not observed at significant frequency in large population cohorts (gnomAD); This variant is associated with the following publications: (PMID: 36307210, 20129625, 34806130)

Labcorp Genetics (formerly Invitae), Labcorp
Classification: Pathogenic for Developmental and epileptic encephalopathy, 42; Episodic ataxia type 2. Last evaluated: 2024-11-11. Review status: criteria provided, single submitter. Criteria: Invitae Variant Classification Sherloc (09022015). Collection method: clinical testing. Allele origin: germline.
Comment: This sequence change creates a premature translational stop signal (p.Ala952Serfs*115) in the CACNA1A gene. It is expected to result in an absent or disrupted protein product. Loss-of-function variants in CACNA1A are known to be pathogenic (PMID: 10371528, 19486177, 25735478, 27250579). This variant is not present in population databases (gnomAD no frequency). This premature translational stop signal has been observed in individual(s) with episodic ataxia type 2 (PMID: 20129625). ClinVar contains an entry for this variant (Variation ID: 424375). For these reasons, this variant has been classified as Pathogenic.

Department of Clinical Genetics, Copenhagen University Hospital, Rigshospitalet
Classification: Pathogenic for Episodic ataxia type 2. Last evaluated: 2022-09-21. Review status: no assertion criteria provided. Collection method: clinical testing. Allele origin: de novo. Inheritance: Autosomal dominant inheritance. Affected: yes. Observed: 1 heterozygote. Not counted in ClinVar's aggregate classification.

Literature cited by the submitters: PubMed 10371528 (cited by Labcorp Genetics (formerly Invitae), Labcorp); PubMed 19486177 (cited by Labcorp Genetics (formerly Invitae), Labcorp); PubMed 25735478 (cited by Labcorp Genetics (formerly Invitae), Labcorp); PubMed 27250579 (cited by Labcorp Genetics (formerly Invitae), Labcorp); PubMed 20129625 (cited by Labcorp Genetics (formerly Invitae), Labcorp).

NM_001127222.2(CACNA1A):c.2844_2853del (p.Ala951fs)

Gene: CACNA1A (calcium voltage-gated channel subunit alpha1 A; minus strand). Cytogenetic location: 19p13.13.
Variant type: Deletion.
Coding change: c.2844_2853del on transcript NM_001127222.2 (MANE Select); coding-DNA positions 2844 to 2853, 10 bases deleted (CACGGGCGCG; older notation c.2844_2853delCACGGGCGCG).
Protein change: p.Ala951fs; shifts the reading frame from alanine 951.
Molecular consequence: frameshift variant.
Genome position (GRCh38, 1-based): chr19:13,298,780-13,298,789, CGCGCCCGTG deleted on the plus strand (CACGGGCGCG on the coding strand, the reverse complement: CACNA1A is on the minus strand); deleting any 10 consecutive bases within chr19:13,298,780-13,298,793 gives the same sequence; the c. name uses the placement nearest the transcript's 3' end. VCF-style (leftmost placement, unchanged base first): chr19-13298779-CCGCGCCCGTG-C. GRCh37 (hg19) VCF-style: chr19-13409593-CCGCGCCCGTG-C.
Other names: c.2847_2856delCACGGGCGCG (NM_001127221.2, NM_001127221.1); c.2856_2865del, p.Ala955fs (NM_000068.4, NM_023035.3); c.2847_2856del, p.Ala952fs (NM_001127221.2, NM_001174080.2); c.2847_2856del (NM_001127221.1); short protein forms A952fs, A955fs, A951fs.
Identifiers: ClinVar variation 424375 (VCV000424375.12), dbSNP rs1555755977, ClinGen allele CA16620790.
Genomic context (GRCh38, chr19:13,298,779, plus strand): 5'-TGTCCTCCGGACCCTCCTCCCCGGGCCTGCGGTGCGCGCGATGACGTCGATGCTCCCCGT[CCGCGCCCGTG>C]CGCGGGGACCCGCTGCGGCTCTCCCTGCTGCCCCCCTGCCGGTGCACGTGCCTCCGGTGG-3'